The following is an entry in ClinVar:

NC_000007.14:g.(?_5997326)_(6004058_?)del

Gene: PMS2 (PMS1 homolog 2, mismatch repair system component; minus strand). Cytogenetic location: 7p22.1.
Variant type: Deletion.
Identifiers: ClinVar variation 417547 (VCV000417547.1).

ClinVar aggregate classification (germline): Pathogenic (1 of 4 stars; one submission).

Conditions:
Lynch syndrome. Identifiers: Orphanet 144, MedGen C4552100, MONDO:0005835. Disease mechanism: loss of function.

Submission:

Labcorp Genetics (formerly Invitae), Labcorp
Classification: Pathogenic for Hereditary nonpolyposis colorectal neoplasms. Last evaluated: 2016-12-29. Review status: criteria provided, single submitter. Criteria: Invitae Variant Classification Sherloc (09022015). Collection method: clinical testing. Allele origin: germline.
Comment: This variant is a gross deletion of the genomic region encompassing exons 3-7 of the PMS2 gene. This creates a premature translational stop signal and is expected to result in an absent or disrupted protein product. Loss-of-function variants in PMS2 are known to be pathogenic. Similar deletions of exons 3-7 have been reported in the literature in two families affected with Lynch syndrome, in an individual affected with colon cancer, and in the compound heterozygous state in an individual affected with constitutional mismatch repair deficiency syndrome (PMID: 21376568, 18415027, 25512458). For these reasons, this variant has been classified as Pathogenic.